The following is an entry in ClinVar:

ClinVar aggregate classification (germline): Uncertain significance (1 of 4 stars; one submission).

Conditions:
DICER1-related tumor predisposition. Also called: DICER1 syndrome; DICER1-related pleuropulmonary blastoma cancer predisposition syndrome. Identifiers: Orphanet 284343, MedGen C3839822, MONDO:0100216.

Submission:

Labcorp Genetics (formerly Invitae), Labcorp
Classification: Uncertain significance for DICER1-related tumor predisposition. Last evaluated: 2018-10-05. Review status: criteria provided, single submitter. Criteria: Invitae Variant Classification Sherloc (09022015). Collection method: clinical testing. Allele origin: germline.
Comment: In summary, the available evidence is currently insufficient to determine the role of this variant in disease. Therefore, it has been classified as a Variant of Uncertain Significance. Algorithms developed to predict the effect of missense changes on protein structure and function are either unavailable or do not agree on the potential impact of this missense change (SIFT: "Deleterious"; PolyPhen-2: "Possibly Damaging"; Align-GVGD: "Class C0"). This variant has not been reported in the literature in individuals with DICER1-related disease. This variant is not present in population databases (ExAC no frequency). This sequence change replaces aspartic acid with glutamic acid at codon 417 of the DICER1 protein (p.Asp417Glu). The aspartic acid residue is highly conserved and there is a small physicochemical difference between aspartic acid and glutamic acid.

NM_177438.3(DICER1):c.1251T>A (p.Asp417Glu)

Gene: DICER1 (dicer 1, ribonuclease III; minus strand). Cytogenetic location: 14q32.13.
Variant type: single nucleotide variant.
Coding change: c.1251T>A on transcript NM_177438.3 (MANE Select); coding-DNA position 1251, T replaced by A.
Protein change: p.Asp417Glu; replaces aspartic acid 417 with glutamic acid.
Molecular consequence: missense variant.
Genome position (GRCh38, 1-based): chr14:95,124,321, A>T on the plus strand (T>A on the coding strand, the complement: DICER1 is on the minus strand). VCF-style: chr14-95124321-A-T. GRCh37 (hg19) VCF-style: chr14-95590658-A-T.
Other names: c.1251T>A, p.Asp417Glu (NM_001195573.1, NM_001271282.3, NM_001291628.2 and 1 more transcripts); short protein forms D417E.
Identifiers: ClinVar variation 640087 (VCV000640087.10), dbSNP rs899404083, ClinGen allele CA390886499.